The following is an entry in ClinVar:

NM_176824.3(BBS7):c.1052A>G (p.His351Arg)

Gene: BBS7 (Bardet-Biedl syndrome 7; minus strand). Cytogenetic location: 4q27.
Variant type: single nucleotide variant.
Coding change: c.1052A>G on transcript NM_176824.3 (MANE Select); coding-DNA position 1052, A replaced by G.
Protein change: p.His351Arg; replaces histidine 351 with arginine.
Molecular consequence: missense variant.
Genome position (GRCh38, 1-based): chr4:121,845,682, T>C on the plus strand (A>G on the coding strand, the complement: BBS7 is on the minus strand). VCF-style: chr4-121845682-T-C. GRCh37 (hg19) VCF-style: chr4-122766837-T-C.
Other names: c.1052A>G, p.His351Arg (NM_018190.4); short protein forms H351R.
Identifiers: ClinVar variation 1957351 (VCV001957351.2), dbSNP rs940315256, ClinGen allele CA104762590.

ClinVar aggregate classification (germline): Uncertain significance (1 of 4 stars; one submission).

Conditions:
Bardet-Biedl syndrome (BBS). Identifiers: Orphanet 110, MedGen C0752166, MONDO:0015229.

Allele frequency attached by ClinVar (database versions not stated): gnomAD exomes 0.00001; TOPMed 0.00001.

Submission:

Labcorp Genetics (formerly Invitae), Labcorp
Classification: Uncertain significance for Bardet-Biedl syndrome. Last evaluated: 2022-07-30. Review status: criteria provided, single submitter. Criteria: Invitae Variant Classification Sherloc (09022015). Collection method: clinical testing. Allele origin: germline.
Comment: This sequence change replaces histidine, which is basic and polar, with arginine, which is basic and polar, at codon 351 of the BBS7 protein (p.His351Arg). This variant is not present in population databases (gnomAD no frequency). This variant has not been reported in the literature in individuals affected with BBS7-related conditions. Algorithms developed to predict the effect of missense changes on protein structure and function (SIFT, PolyPhen-2, Align-GVGD) all suggest that this variant is likely to be tolerated. In summary, the available evidence is currently insufficient to determine the role of this variant in disease. Therefore, it has been classified as a Variant of Uncertain Significance.